The following is an entry in ClinVar:

ClinVar aggregate classification (germline): Uncertain significance (1 of 4 stars; one submission).

Conditions:
Hyperphosphatasia with impaired intellectual development syndrome 2. Also called: GLYCOSYLPHOSPHATIDYLINOSITOL BIOSYNTHESIS DEFECT 6; Hyperphosphatasia with intellectual disability syndrome 2. Identifiers: Orphanet 247262, MedGen C3553637, MONDO:0013882, OMIM 614749.

Allele frequency attached by ClinVar (database versions not stated): gnomAD exomes 0.00001.
gnomAD v4.1: 4 of 1,614,234 alleles (0.00025%); highest among the groups gnomAD compares: Non-Finnish European, 0.00034%; no homozygotes.

Submission:

Labcorp Genetics (formerly Invitae), Labcorp
Classification: Uncertain significance for Hyperphosphatasia with impaired intellectual development syndrome 2. Last evaluated: 2022-02-22. Review status: criteria provided, single submitter. Criteria: Invitae Variant Classification Sherloc (09022015). Collection method: clinical testing. Allele origin: germline.
Comment: This sequence change replaces histidine, which is basic and polar, with proline, which is neutral and non-polar, at codon 616 of the PIGO protein (p.His616Pro). This variant is not present in population databases (gnomAD no frequency). This variant has not been reported in the literature in individuals affected with PIGO-related conditions. Algorithms developed to predict the effect of missense changes on protein structure and function (SIFT, PolyPhen-2, Align-GVGD) all suggest that this variant is likely to be tolerated. In summary, the available evidence is currently insufficient to determine the role of this variant in disease. Therefore, it has been classified as a Variant of Uncertain Significance.

NM_032634.4(PIGO):c.1847A>C (p.His616Pro)

Gene: PIGO (phosphatidylinositol glycan anchor biosynthesis class O; minus strand). Cytogenetic location: 9p13.3.
Variant type: single nucleotide variant.
Coding change: c.1847A>C on transcript NM_032634.4 (MANE Select); coding-DNA position 1847, A replaced by C.
Protein change: p.His616Pro; replaces histidine 616 with proline.
Molecular consequence: missense variant. On other transcripts: intron variant (2).
Genome position (GRCh38, 1-based): chr9:35,092,040, T>G on the plus strand (A>C on the coding strand, the complement: PIGO is on the minus strand). VCF-style: chr9-35092040-T-G. GRCh37 (hg19) VCF-style: chr9-35092037-T-G.
Other names: c.1344+503A>C (NM_152850.4, NM_001201484.2); short protein forms H616P.
Identifiers: ClinVar variation 1948474 (VCV001948474.2), dbSNP rs1829447397, ClinGen allele CA373321301.